The following is an entry in ClinVar:

NM_178857.6(RP1L1):c.5280C>T (p.Leu1760=)

Gene: RP1L1 (RP1 like 1). Cytogenetic location: 8p23.1.
Variant type: single nucleotide variant.
Coding change: c.5280C>T on transcript NM_178857.6 (MANE Select); coding-DNA position 5280, C replaced by T.
Protein change: p.Leu1760=; no amino-acid change (leucine 1760 retained).
Molecular consequence: synonymous variant.
Genome position (GRCh38, 1-based): chr8:10,608,818, G>A on the plus strand (C>T on the coding strand, the complement: RP1L1 is on the minus strand). VCF-style: chr8-10608818-G-A. GRCh37 (hg19) VCF-style: chr8-10466328-G-A.
Other names: c.5280C>T (NM_178857.5).
Identifiers: ClinVar variation 3027969 (VCV003027969.2), dbSNP rs752335406, ClinGen allele CA4623708.

ClinVar aggregate classification (germline): Conflicting classifications of pathogenicity. Review status: criteria provided, conflicting classifications (1 of 4 stars). 2 submissions from 2 submitters: Uncertain significance (1); Likely benign (1). Last evaluated 2025-04-05.

Conditions:
Retinal dystrophy. Also called: Inherited retinal dystrophy. Identifiers: Orphanet 71862, MedGen C0854723, MeSH D058499, MONDO:0019118, HP:0000556.
RP1L1-related disorder. Also called: RP1L1-related condition.

Allele frequency attached by ClinVar (database versions not stated): gnomAD 0.00001; TOPMed 0.00001; ExAC 0.00002; gnomAD exomes 0.00002.
gnomAD v4.1: 26 of 1,613,868 alleles (0.0016%); highest among the groups gnomAD compares: East Asian, 0.027%; no homozygotes.

Submissions (2):

PreventionGenetics, part of Exact Sciences
Classification: Likely benign for RP1L1-related condition. Last evaluated: 2025-04-05. Review status: criteria provided, single submitter. Criteria: ACMG Guidelines, 2015. Collection method: clinical testing. Allele origin: germline.
Comment: This variant is classified as likely benign based on ACMG/AMP sequence variant interpretation guidelines (Richards et al. 2015 PMID: 25741868, with internal and published modifications).

Dept Of Ophthalmology, Nagoya University
Classification: Uncertain significance for Retinal dystrophy. Last evaluated: 2023-10-01. Review status: criteria provided, single submitter. Criteria: Submitter's publication. Collection method: research. Allele origin: germline. Affected: yes.